The following is an entry in ClinVar:

NM_004260.4(RECQL4):c.3502+3G>A

Gene: RECQL4 (RecQ like helicase 4; minus strand). Cytogenetic location: 8q24.3.
Variant type: single nucleotide variant.
Coding change: c.3502+3G>A on transcript NM_004260.4 (MANE Select); 3 bases into the intron after coding-DNA position 3502, G replaced by A.
Molecular consequence: intron variant.
Genome position (GRCh38, 1-based): chr8:144,511,678, C>T on the plus strand (G>A on the coding strand, the complement: RECQL4 is on the minus strand). VCF-style: chr8-144511678-C-T. GRCh37 (hg19) VCF-style: chr8-145737061-C-T.
Other names: c.3373+3G>A (NM_001413025.1); c.3151+3G>A (NM_001413029.1); c.2365+3G>A (NM_001413032.1, NM_001413027.1, NM_001413030.1); c.2431+3G>A (NM_001413035.1, NM_001413040.1, NM_001413021.1 and 4 more transcripts); c.3208+3G>A (NM_001413017.1); c.3406+3G>A (NM_001413020.1); c.3472+3G>A (NM_001413039.1); c.3370+3G>A (NM_001413033.1); and 9 more.
Identifiers: ClinVar variation 2733226 (VCV002733226.3), dbSNP rs751909716, ClinGen allele CA4947709.

ClinVar aggregate classification (germline): Uncertain significance (1 of 4 stars; one submission).

Conditions:
Baller-Gerold syndrome (BGS). Also called: CRANIOSYNOSTOSIS WITH RADIAL DEFECTS. Identifiers: Orphanet 1225, MedGen C0265308, MONDO:0009039, OMIM 218600.

Allele frequency attached by ClinVar (database versions not stated): gnomAD 0.00001; gnomAD exomes below 0.00001; TOPMed below 0.00001; ExAC 0.00001.
gnomAD v4.1: 4 of 1,612,258 alleles (0.00025%); highest among the groups gnomAD compares: African/African-American, 0.004%; no homozygotes.

Submission:

Labcorp Genetics (formerly Invitae), Labcorp
Classification: Uncertain significance for Baller-Gerold syndrome. Last evaluated: 2023-09-03. Review status: criteria provided, single submitter. Criteria: Invitae Variant Classification Sherloc (09022015). Collection method: clinical testing. Allele origin: germline.
Comment: In summary, the available evidence is currently insufficient to determine the role of this variant in disease. Therefore, it has been classified as a Variant of Uncertain Significance. Variants that disrupt the consensus splice site are a relatively common cause of aberrant splicing (PMID: 17576681, 9536098). Algorithms developed to predict the effect of sequence changes on RNA splicing suggest that this variant is not likely to affect RNA splicing. This variant has not been reported in the literature in individuals affected with RECQL4-related conditions. This variant is present in population databases (rs751909716, gnomAD 0.007%). This sequence change falls in intron 20 of the RECQL4 gene. It does not directly change the encoded amino acid sequence of the RECQL4 protein. It affects a nucleotide within the consensus splice site.

Literature cited by the submitters: PubMed 17576681; PubMed 9536098.